The following is an entry in ClinVar:

ClinVar aggregate classification (germline): Uncertain significance (1 of 4 stars; one submission).

Conditions:
Ataxia-telangiectasia syndrome (AT). Also called: Ataxia telangiectasia (A-T); Cerebello-oculocutaneous telangiectasia; Immunodeficiency with ataxia telangiectasia; AT, COMPLEMENTATION GROUP C; ATAXIA-TELANGIECTASIA, COMPLEMENTATION GROUP A; ATAXIA-TELANGIECTASIA, FRESNO VARIANT. Identifiers: Orphanet 100, MedGen C0004135, MONDO:0008840, OMIM 208900.

Allele frequency attached by ClinVar (database versions not stated): gnomAD 0.00001.
gnomAD v4.1: 1 of 1,613,544 alleles (0.000062%); highest among the groups gnomAD compares: Non-Finnish European, 0.000085%; no homozygotes.

Submission:

Labcorp Genetics (formerly Invitae), Labcorp
Classification: Uncertain significance for Ataxia-telangiectasia syndrome. Last evaluated: 2023-06-25. Review status: criteria provided, single submitter. Criteria: Invitae Variant Classification Sherloc (09022015). Collection method: clinical testing. Allele origin: germline.
Comment: In summary, the available evidence is currently insufficient to determine the role of this variant in disease. Therefore, it has been classified as a Variant of Uncertain Significance. Variants that disrupt the consensus splice site are a relatively common cause of aberrant splicing (PMID: 17576681, 9536098). Algorithms developed to predict the effect of sequence changes on RNA splicing suggest that this variant may disrupt the consensus splice site. ClinVar contains an entry for this variant (Variation ID: 860832). This variant has not been reported in the literature in individuals affected with ATM-related conditions. This variant is not present in population databases (gnomAD no frequency). This sequence change falls in intron 9 of the ATM gene. It does not directly change the encoded amino acid sequence of the ATM protein. It affects a nucleotide within the consensus splice site.

Literature cited by the submitters: PubMed 17576681; PubMed 9536098.

NM_000051.4(ATM):c.1235+6G>A

Gene: ATM (ATM serine/threonine kinase; plus strand). Cytogenetic location: 11q22.3.
Variant type: single nucleotide variant.
Coding change: c.1235+6G>A on transcript NM_000051.4 (MANE Select); 6 bases into the intron after coding-DNA position 1235, G replaced by A.
Molecular consequence: intron variant.
Genome position (GRCh38, 1-based): chr11:108,249,108, G>A. VCF-style: chr11-108249108-G-A. GRCh37 (hg19) VCF-style: chr11-108119835-G-A.
Other names: c.1235+6G>A (NM_001351834.2).
Identifiers: ClinVar variation 860832 (VCV000860832.9), dbSNP rs2080003881, ClinGen allele CA916080436.
Genomic context (GRCh38, chr11:108,249,108, plus strand): 5'-AAGTAATAAAAGATCACCTTCAGAAGTCACAGAATGATTTTGATCTTGTGCCTTGGTAAA[G>A]TGTTACCATTTTCTCATTCAGTGTCATTTTAATCTCTTGTATGTTATTTTTCAGAAAACT-3'